The following is an entry in ClinVar:

NM_000426.4(LAMA2):c.5038G>T (p.Glu1680Ter)

Gene: LAMA2 (laminin subunit alpha 2; plus strand). Cytogenetic location: 6q22.33.
Variant type: single nucleotide variant.
Coding change: c.5038G>T on transcript NM_000426.4 (MANE Select); coding-DNA position 5038, G replaced by T.
Protein change: p.Glu1680Ter; replaces glutamic acid 1680 with a stop codon.
Molecular consequence: nonsense.
Genome position (GRCh38, 1-based): chr6:129,383,200, G>T. VCF-style: chr6-129383200-G-T. GRCh37 (hg19) VCF-style: chr6-129704345-G-T.
Other names: c.5038G>T, p.Glu1680Ter (NM_001079823.2); short protein forms E1680*.
Identifiers: ClinVar variation 984090 (VCV000984090.10), dbSNP rs1778794887, ClinGen allele CA365628738.

ClinVar aggregate classification (germline): Pathogenic/Likely pathogenic. Review status: criteria provided, multiple submitters, no conflicts (2 of 4 stars). 2 submissions from 2 submitters: Pathogenic (1); Likely pathogenic (1). Last evaluated 2021-07-19.

Conditions:
LAMA2-related muscular dystrophy (LAMA2-RD). Also called: Laminin alpha 2-related dystrophy. Identifiers: MedGen C5679788, MONDO:0100228.

Submissions (2):

Labcorp Genetics (formerly Invitae), Labcorp
Classification: Pathogenic for LAMA2-related muscular dystrophy. Last evaluated: 2021-07-19. Review status: criteria provided, single submitter. Criteria: Invitae Variant Classification Sherloc (09022015). Collection method: clinical testing. Allele origin: germline.
Comment: For these reasons, this variant has been classified as Pathogenic. ClinVar contains an entry for this variant (Variation ID: 984090). This sequence change creates a premature translational stop signal (p.Glu1680*) in the LAMA2 gene. It is expected to result in an absent or disrupted protein product. Loss-of-function variants in LAMA2 are known to be pathogenic (PMID: 18700894). This variant is not present in population databases (ExAC no frequency). This variant has not been reported in the literature in individuals affected with LAMA2-related conditions.

Myriad Genetics, Inc.
Classification: Likely pathogenic for LAMA2-related muscular dystrophy. Last evaluated: 2019-11-21. Review status: criteria provided, single submitter. Criteria: Myriad Autosomal Dominant, Autosomal Recessive and X-Linked Classification Criteria (2023). Collection method: clinical testing. Allele origin: unknown.
Comment: NM_000426.3(LAMA2):c.5038G>T(E1680*) is expected to be pathogenic in the context of LAMA2-related muscular dystrophy. This variant is predicted to lead to an abnormal or absent protein product due to the creation of a premature termination codon in LAMA2, a gene where loss-of-function variants are known to be pathogenic. Please note: this variant was assessed in the context of healthy population screening.

Literature cited by the submitters: PubMed 18700894 (cited by Labcorp Genetics (formerly Invitae), Labcorp).